The following is an entry in ClinVar:

ClinVar aggregate classification (germline): Uncertain significance (1 of 4 stars; one submission).

gnomAD v4.1: 136 of 1,606,598 alleles (0.0085%); highest among the groups gnomAD compares: East Asian, 0.0067%; no homozygotes.

Submission:

GeneDx
Classification: Uncertain significance. Last evaluated: 2025-06-19. Review status: criteria provided, single submitter. Criteria: GeneDx Variant Classification Process June 2021. Collection method: clinical testing. Allele origin: germline.
Comment: In silico analysis supports that this missense variant has a deleterious effect on protein structure/function; Has not been previously published as pathogenic or benign to our knowledge

NM_018245.3(OGDHL):c.2872C>T (p.Arg958Cys)

Gene: OGDHL (oxoglutarate dehydrogenase L; minus strand). Cytogenetic location: 10q11.23.
Variant type: single nucleotide variant.
Coding change: c.2872C>T on transcript NM_018245.3 (MANE Select); coding-DNA position 2872, C replaced by T.
Protein change: p.Arg958Cys; replaces arginine 958 with cysteine.
Molecular consequence: missense variant. On other transcripts: non-coding transcript variant (5).
Genome position (GRCh38, 1-based): chr10:49,736,060, G>A on the plus strand (C>T on the coding strand, the complement: OGDHL is on the minus strand). VCF-style: chr10-49736060-G-A. GRCh37 (hg19) VCF-style: chr10-50944106-G-A.
Other names: c.2701C>T, p.Arg901Cys (NM_001143996.2, NM_001347820.1); c.2245C>T, p.Arg749Cys (NM_001143997.2, NM_001347821.2, NM_001347822.1); c.2872C>T, p.Arg958Cys (NM_001347819.1); c.2692C>T, p.Arg898Cys (NM_001347823.1, NM_001347824.2); c.2065C>T, p.Arg689Cys (NM_001347825.2); c.1675C>T, p.Arg559Cys (NM_001347826.1); short protein forms R559C, R689C, R749C, R898C, R901C, R958C.
Identifiers: ClinVar variation 3774124 (VCV003774124.2).
Genomic context (GRCh38, chr10:49,736,060, plus strand): 5'-CAATCAGCGGCCCCACCATGTACCATATGGGCCGTGCGCGCCTCAGGATGGTCATGAAGC[G>A]TGGGCTGATGTAGTCATAGTAGCCCATGTTCTTGTGCTCCTCCTGACACCAGGCCAGCTC-3'
Protein context (NP_060715.2, residues 948-968): NMGYYDYISP[Arg958Cys]FMTILRRARP